The following is an entry in ClinVar:

ClinVar aggregate classification (germline): Conflicting classifications of pathogenicity. Review status: criteria provided, conflicting classifications (1 of 4 stars). 3 submissions from 3 submitters: Uncertain significance (2); Likely benign (1). Last evaluated 2025-06-25.

Conditions:
Inborn genetic diseases. Identifiers: MedGen C0950123, MeSH D030342.

Allele frequency attached by ClinVar (database versions not stated): gnomAD 0.00001; TOPMed 0.00005; ExAC 0.00005; gnomAD exomes 0.00001.
gnomAD v4.1: 23 of 1,614,092 alleles (0.0014%); highest among the groups gnomAD compares: Admixed American, 0.033%; no homozygotes.

Submissions (3):

Mayo Clinic Laboratories, Mayo Clinic
Classification: Uncertain significance. Last evaluated: 2025-06-25. Review status: criteria provided, single submitter. Criteria: ACMG Guidelines, 2015. Collection method: clinical testing. Allele origin: germline. Observed: 1 variant allele.
Comment: BP4_moderate

Labcorp Genetics (formerly Invitae), Labcorp
Classification: Uncertain significance. Last evaluated: 2022-06-14. Review status: criteria provided, single submitter. Criteria: Invitae Variant Classification Sherloc (09022015). Collection method: clinical testing. Allele origin: germline.
Comment: This sequence change replaces serine, which is neutral and polar, with alanine, which is neutral and non-polar, at codon 2732 of the DMXL2 protein (p.Ser2732Ala). This variant is present in population databases (rs770629684, gnomAD 0.06%). This variant has not been reported in the literature in individuals affected with DMXL2-related conditions. Algorithms developed to predict the effect of missense changes on protein structure and function output the following: SIFT: "Tolerated"; PolyPhen-2: "Benign"; Align-GVGD: "Class C0". The alanine amino acid residue is found in multiple mammalian species, which suggests that this missense change does not adversely affect protein function. In summary, the available evidence is currently insufficient to determine the role of this variant in disease. Therefore, it has been classified as a Variant of Uncertain Significance.

Ambry Genetics
Classification: Likely benign for Inborn genetic diseases. Last evaluated: 2021-05-19. Review status: criteria provided, single submitter. Criteria: Ambry Variant Classification Scheme 2023. Collection method: clinical testing. Allele origin: germline.

NM_001378457.1(DMXL2):c.8257T>G (p.Ser2753Ala)

Gene: DMXL2 (Dmx like 2; minus strand). Cytogenetic location: 15q21.2.
Variant type: single nucleotide variant.
Coding change: c.8257T>G on transcript NM_001378457.1 (MANE Select); coding-DNA position 8257, T replaced by G.
Protein change: p.Ser2753Ala; replaces serine 2753 with alanine.
Molecular consequence: missense variant. On other transcripts: non-coding transcript variant (2).
Genome position (GRCh38, 1-based): chr15:51,457,408, A>C on the plus strand (T>G on the coding strand, the complement: DMXL2 is on the minus strand). VCF-style: chr15-51457408-A-C. GRCh37 (hg19) VCF-style: chr15-51749605-A-C.
Other names: p.Ser2732Ala; c.8194T>G, p.Ser2732Ala (NM_001174116.3); c.6283T>G, p.Ser2095Ala (NM_001174117.3); c.8254T>G, p.Ser2752Ala (NM_001378458.1); c.7969T>G, p.Ser2657Ala (NM_001378459.1); c.6172T>G, p.Ser2058Ala (NM_001378460.1); c.8191T>G, p.Ser2731Ala (NM_015263.5); c.8194T>G (NM_001174116.1, NM_001174116.2); short protein forms S2731A, S2657A, S2095A, S2752A, S2753A, S2058A, S2732A.
Identifiers: ClinVar variation 2174954 (VCV002174954.3), dbSNP rs770629684, ClinGen allele CA7561097.